The following is an entry in ClinVar:

NM_017671.5(FERMT1):c.1792G>A (p.Gly598Arg)

Gene: FERMT1 (FERM domain containing kindlin 1; minus strand). Cytogenetic location: 20p12.3.
Variant type: single nucleotide variant.
Coding change: c.1792G>A on transcript NM_017671.5 (MANE Select); coding-DNA position 1792, G replaced by A.
Protein change: p.Gly598Arg; replaces glycine 598 with arginine.
Molecular consequence: missense variant.
Genome position (GRCh38, 1-based): chr20:6,079,504, C>T on the plus strand (G>A on the coding strand, the complement: FERMT1 is on the minus strand). VCF-style: chr20-6079504-C-T. GRCh37 (hg19) VCF-style: chr20-6060151-C-T.
Other names: c.1792G>A (NM_017671.4); short protein forms G598R.
Identifiers: ClinVar variation 1370333 (VCV001370333.8), dbSNP rs142825013, ClinGen allele CA9758032.

ClinVar aggregate classification (germline): Conflicting classifications of pathogenicity. Review status: criteria provided, conflicting classifications (1 of 4 stars). 3 submissions from 3 submitters: Uncertain significance (2); Likely benign (1). Last evaluated 2025-10-03.

Conditions:
Inborn genetic diseases. Identifiers: MedGen C0950123, MeSH D030342.
Kindler syndrome (KNDLRS). Also called: Hereditary acrokeratotic poikiloderma of Weary; BULLOUS ACROKERATOTIC POIKILODERMA OF KINDLER AND WEARY; POIKILODERMA, CONGENITAL, WITH BULLAE, WEARY TYPE; POIKILODERMA, HEREDITARY ACROKERATOTIC; Poikiloderma of Kindler; Congenital bullous poikiloderma. Identifiers: Orphanet 2908, Orphanet 306539, MedGen C0406557, MONDO:0008260, OMIM 173650.

Allele frequency attached by ClinVar (database versions not stated): gnomAD 0.00004; gnomAD exomes 0.00004 and 0.00008; TOPMed 0.00004; ESP Exome Variant Server 0.00008; ExAC 0.00009; 1000 Genomes Project 30x 0.00016; 1000 Genomes Project 0.00020.
gnomAD v4.1: 68 of 1,613,882 alleles (0.0042%); highest among the groups gnomAD compares: East Asian, 0.069%; no homozygotes.

Submissions (3):

Labcorp Genetics (formerly Invitae), Labcorp
Classification: Uncertain significance. Last evaluated: 2025-10-03. Review status: criteria provided, single submitter. Criteria: Invitae Variant Classification Sherloc (09022015). Collection method: clinical testing. Allele origin: germline.
Comment: This sequence change replaces glycine, which is neutral and non-polar, with arginine, which is basic and polar, at codon 598 of the FERMT1 protein (p.Gly598Arg). This variant is present in population databases (rs142825013, gnomAD 0.07%). This variant has not been reported in the literature in individuals affected with FERMT1-related conditions. ClinVar contains an entry for this variant (Variation ID: 1370333). Invitae Evidence Modeling of protein sequence and biophysical properties (such as structural, functional, and spatial information, amino acid conservation, physicochemical variation, residue mobility, and thermodynamic stability) indicates that this missense variant is not expected to disrupt FERMT1 protein function with a negative predictive value of 80%. In summary, the available evidence is currently insufficient to determine the role of this variant in disease. Therefore, it has been classified as a Variant of Uncertain Significance.

Ambry Genetics
Classification: Uncertain significance for Inborn genetic diseases. Last evaluated: 2025-08-01. Review status: criteria provided, single submitter. Criteria: Ambry Variant Classification Scheme 2023. Collection method: clinical testing. Allele origin: germline.

3billion
Classification: Likely benign for Kindler syndrome. Last evaluated: 2024-09-20. Review status: criteria provided, single submitter. Criteria: ACMG Guidelines, 2015. Collection method: clinical testing. Allele origin: germline. Affected: no.
Comment: The homozygous variant was found in patients diagnosed with another variant in a different gene, with no symptoms related to the gene containing the homozygous variant.